The following is an entry in ClinVar:

ClinVar aggregate classification (germline): Uncertain significance. Review status: criteria provided, multiple submitters, no conflicts (2 of 4 stars). 3 submissions from 3 submitters: Uncertain significance (3). Last evaluated 2025-04-09.

Conditions:
Cardiovascular phenotype. Identifiers: MedGen CN230736.
Hypertrophic cardiomyopathy 20. Identifiers: MedGen C3151267, MONDO:0013477, OMIM 613876.
Dilated cardiomyopathy 1CC (CMD1CC). Identifiers: Orphanet 154, MedGen C2751084, MONDO:0013147, OMIM 613122.

Allele frequency attached by ClinVar (database versions not stated): gnomAD exomes below 0.00001; TOPMed below 0.00001; gnomAD 0.00001.
gnomAD v4.1: 7 of 1,613,738 alleles (0.00043%); highest among the groups gnomAD compares: East Asian, 0.0022%; no homozygotes.

Submissions (3):

Molecular Diagnostic Laboratory for Inherited Cardiovascular Disease, Montreal Heart Institute
Classification: Uncertain significance for Cardiovascular phenotype. Last evaluated: 2025-04-09. Review status: criteria provided, single submitter. Criteria: ACMG Guidelines, 2015. Collection method: clinical testing. Allele origin: germline. Affected: yes.

Ambry Genetics
Classification: Uncertain significance for Cardiovascular phenotype. Last evaluated: 2022-11-15. Review status: criteria provided, single submitter. Criteria: Ambry Variant Classification Scheme 2023. Collection method: clinical testing. Allele origin: germline.
Comment: The p.A266G variant (also known as c.797C>G), located in coding exon 7 of the NEXN gene, results from a C to G substitution at nucleotide position 797. The alanine at codon 266 is replaced by glycine, an amino acid with similar properties. This amino acid position is highly conserved in available vertebrate species. In addition, the in silico prediction for this alteration is inconclusive. Since supporting evidence is limited at this time, the clinical significance of this alteration remains unclear.

Labcorp Genetics (formerly Invitae), Labcorp
Classification: Uncertain significance for Dilated cardiomyopathy 1CC; Hypertrophic cardiomyopathy 20. Last evaluated: 2020-12-19. Review status: criteria provided, single submitter. Criteria: Invitae Variant Classification Sherloc (09022015). Collection method: clinical testing. Allele origin: germline.
Comment: This variant is not present in population databases (ExAC no frequency). This sequence change replaces alanine with glycine at codon 266 of the NEXN protein (p.Ala266Gly). The alanine residue is highly conserved and there is a small physicochemical difference between alanine and glycine. In summary, the available evidence is currently insufficient to determine the role of this variant in disease. Therefore, it has been classified as a Variant of Uncertain Significance. Algorithms developed to predict the effect of sequence changes on RNA splicing suggest that this variant may create or strengthen a splice site, but this prediction has not been confirmed by published transcriptional studies. Algorithms developed to predict the effect of missense changes on protein structure and function (SIFT, PolyPhen-2, Align-GVGD) all suggest that this variant is likely to be disruptive, but these predictions have not been confirmed by published functional studies and their clinical significance is uncertain. This variant has not been reported in the literature in individuals with NEXN-related conditions.

NM_144573.4(NEXN):c.797C>G (p.Ala266Gly)

Gene: NEXN (nexilin F-actin binding protein; plus strand). Cytogenetic location: 1p31.1.
Variant type: single nucleotide variant.
Coding change: c.797C>G on transcript NM_144573.4 (MANE Select); coding-DNA position 797, C replaced by G.
Protein change: p.Ala266Gly; replaces alanine 266 with glycine.
Molecular consequence: missense variant.
Genome position (GRCh38, 1-based): chr1:77,926,825, C>G. VCF-style: chr1-77926825-C-G. GRCh37 (hg19) VCF-style: chr1-78392510-C-G.
Other names: c.605C>G, p.Ala202Gly (NM_001172309.2); short protein forms A266G, A202G.
Identifiers: ClinVar variation 1429087 (VCV001429087.10), dbSNP rs1442572797, ClinGen allele CA340874300.